The following is an entry in ClinVar:

ClinVar aggregate classification (germline): Uncertain significance. Review status: criteria provided, multiple submitters, no conflicts (2 of 4 stars). 3 submissions from 3 submitters: Uncertain significance (3). Last evaluated 2025-08-23.

Conditions:
Exudative vitreoretinopathy 6 (EVR6). Identifiers: Orphanet 891, MedGen C4225316, MONDO:0014652, OMIM 616468.
Retinitis pigmentosa 72 (RP72). Identifiers: Orphanet 791, MedGen C4225315, MONDO:0014653, OMIM 616469.
Inborn genetic diseases. Identifiers: MedGen C0950123, MeSH D030342.

Allele frequency attached by ClinVar (database versions not stated): gnomAD exomes below 0.00001; ExAC 0.00001; gnomAD 0.00001; TOPMed 0.00001.
gnomAD v4.1: 12 of 1,613,686 alleles (0.00074%); highest among the groups gnomAD compares: South Asian, 0.0011%; no homozygotes.

Submissions (3):

Ambry Genetics
Classification: Uncertain significance for Inborn genetic diseases. Last evaluated: 2025-08-23. Review status: criteria provided, single submitter. Criteria: Ambry Variant Classification Scheme 2023. Collection method: clinical testing. Allele origin: germline.

Labcorp Genetics (formerly Invitae), Labcorp
Classification: Uncertain significance. Last evaluated: 2022-02-05. Review status: criteria provided, single submitter. Criteria: Invitae Variant Classification Sherloc (09022015). Collection method: clinical testing. Allele origin: germline.
Comment: This variant has not been reported in the literature in individuals affected with ZNF408-related conditions. This variant is present in population databases (rs747216699, gnomAD 0.002%). This sequence change replaces threonine, which is neutral and polar, with isoleucine, which is neutral and non-polar, at codon 299 of the ZNF408 protein (p.Thr299Ile). ClinVar contains an entry for this variant (Variation ID: 856497). In summary, the available evidence is currently insufficient to determine the role of this variant in disease. Therefore, it has been classified as a Variant of Uncertain Significance. Algorithms developed to predict the effect of missense changes on protein structure and function output the following: SIFT: "Tolerated"; PolyPhen-2: "Benign"; Align-GVGD: "Class C0". The isoleucine amino acid residue is found in multiple mammalian species, which suggests that this missense change does not adversely affect protein function.

Blueprint Genetics
Classification: Uncertain significance. Last evaluated: 2020-03-20. Review status: criteria provided, single submitter. Criteria: ACMG Guidelines, 2015. Collection method: clinical testing. Allele origin: germline.

NM_024741.3(ZNF408):c.896C>T (p.Thr299Ile)

Gene: ZNF408 (zinc finger protein 408; plus strand). Cytogenetic location: 11p11.2.
Variant type: single nucleotide variant.
Coding change: c.896C>T on transcript NM_024741.3 (MANE Select); coding-DNA position 896, C replaced by T.
Protein change: p.Thr299Ile; replaces threonine 299 with isoleucine.
Molecular consequence: missense variant.
Genome position (GRCh38, 1-based): chr11:46,704,596, C>T. VCF-style: chr11-46704596-C-T. GRCh37 (hg19) VCF-style: chr11-46726146-C-T.
Other names: c.872C>T, p.Thr291Ile (NM_001184751.2); short protein forms T299I, T291I.
Identifiers: ClinVar variation 856497 (VCV000856497.14), dbSNP rs747216699, ClinGen allele CA5966448.
Genomic context (GRCh38, chr11:46,704,596, plus strand): 5'-CGGCTACCCAGCAGGACCCAGATGGCAGTGGAGCCAGTTTCTCATCTTCTGCCAGGGGCA[C>T]CCAGCCGCATGGCTACCTGGCCAAGAAGTTACACAGCCCCAGTGATCAGTGCCCACCCAG-3'
Protein context (NP_079017.1, residues 289-309): GASFSSSARG[Thr299Ile]QPHGYLAKKL